The following is an entry in ClinVar:

ClinVar aggregate classification (germline): Benign (1 of 4 stars; one submission).

Allele frequency attached by ClinVar (database versions not stated): 1000 Genomes Project 0.00100; 1000 Genomes Project 30x 0.00125; TOPMed 0.00412; gnomAD 0.00431 and 0.00451; gnomAD exomes 0.00432 and 0.00694; ExAC 0.00442; ESP Exome Variant Server 0.00600.
gnomAD v4.1: 10,695 of 1,614,186 alleles (0.66%); highest among the groups gnomAD compares: Non-Finnish European, 0.83%; 48 homozygotes.

Submission:

GeneDx
Classification: Benign. Last evaluated: 2014-01-25. Review status: criteria provided, single submitter. Criteria: GeneDx Variant Classification (06012015). Collection method: clinical testing. Allele origin: germline. Affected: yes.
Comment: This variant is considered likely benign or benign based on one or more of the following criteria: it is a conservative change, it occurs at a poorly conserved position in the protein, it is predicted to be benign by multiple in silico algorithms, and/or has population frequency not consistent with disease.

NM_000692.5(ALDH1B1):c.1338G>A (p.Ala446=)

Gene: ALDH1B1 (aldehyde dehydrogenase 1 family member B1; plus strand). Cytogenetic location: 9p13.1.
Variant type: single nucleotide variant.
Coding change: c.1338G>A on transcript NM_000692.5 (MANE Select); coding-DNA position 1338, G replaced by A.
Protein change: p.Ala446=; no amino-acid change (alanine 446 retained).
Molecular consequence: synonymous variant.
Genome position (GRCh38, 1-based): chr9:38,397,086, G>A. VCF-style: chr9-38397086-G-A. GRCh37 (hg19) VCF-style: chr9-38397083-G-A.
Other names: p.A446A:GCG>GCA.
Identifiers: ClinVar variation 136367 (VCV000136367.1), dbSNP rs41278335, ClinGen allele CA289402.